The following is an entry in ClinVar:

NM_005413.4(SIX3):c.215C>T (p.Ala72Val)

Gene: SIX3 (SIX homeobox 3; plus strand). Cytogenetic location: 2p21.
Variant type: single nucleotide variant.
Coding change: c.215C>T on transcript NM_005413.4 (MANE Select); coding-DNA position 215, C replaced by T.
Protein change: p.Ala72Val; replaces alanine 72 with valine.
Molecular consequence: missense variant.
Genome position (GRCh38, 1-based): chr2:44,942,319, C>T. VCF-style: chr2-44942319-C-T. GRCh37 (hg19) VCF-style: chr2-45169458-C-T.
Other names: c.215C>T (NM_005413.3); short protein forms A72V.
Identifiers: ClinVar variation 2807739 (VCV002807739.4), dbSNP rs781731500, ClinGen allele CA1642289.

ClinVar aggregate classification (germline): Uncertain significance. Review status: criteria provided, multiple submitters, no conflicts (2 of 4 stars). 2 submissions from 2 submitters: Uncertain significance (2). Last evaluated 2024-09-14.

Conditions:
Holoprosencephaly 2 (HPE2). Identifiers: Orphanet 2162, MedGen C1834877, MONDO:0007999, OMIM 157170.
Inborn genetic diseases. Identifiers: MedGen C0950123, MeSH D030342.

Allele frequency attached by ClinVar (database versions not stated): gnomAD 0.00002; TOPMed 0.00003; gnomAD exomes 0.00006; ExAC 0.00010.
gnomAD v4.1: 99 of 1,586,590 alleles (0.0062%); highest among the groups gnomAD compares: Middle Eastern, 0.034%; no homozygotes.

Submissions (2):

Labcorp Genetics (formerly Invitae), Labcorp
Classification: Uncertain significance for Holoprosencephaly 2. Last evaluated: 2024-09-14. Review status: criteria provided, single submitter. Criteria: Invitae Variant Classification Sherloc (09022015). Collection method: clinical testing. Allele origin: germline.
Comment: This sequence change replaces alanine, which is neutral and non-polar, with valine, which is neutral and non-polar, at codon 72 of the SIX3 protein (p.Ala72Val). This variant is present in population databases (rs781731500, gnomAD 0.03%), and has an allele count higher than expected for a pathogenic variant. This variant has not been reported in the literature in individuals affected with SIX3-related conditions. Invitae Evidence Modeling of protein sequence and biophysical properties (such as structural, functional, and spatial information, amino acid conservation, physicochemical variation, residue mobility, and thermodynamic stability) indicates that this missense variant is not expected to disrupt SIX3 protein function with a negative predictive value of 80%. In summary, the available evidence is currently insufficient to determine the role of this variant in disease. Therefore, it has been classified as a Variant of Uncertain Significance.

Ambry Genetics
Classification: Uncertain significance for Inborn genetic diseases. Last evaluated: 2021-11-05. Review status: criteria provided, single submitter. Criteria: Ambry Variant Classification Scheme 2023. Collection method: clinical testing. Allele origin: germline.